The following is an entry in ClinVar:

NM_153209.4(KIF19):c.2508A>C (p.Thr836=)

Gene: KIF19 (kinesin family member 19; plus strand). Cytogenetic location: 17q25.1.
Variant type: single nucleotide variant.
Coding change: c.2508A>C on transcript NM_153209.4 (MANE Select); coding-DNA position 2508, A replaced by C.
Protein change: p.Thr836=; no amino-acid change (threonine 836 retained).
Molecular consequence: synonymous variant.
Genome position (GRCh38, 1-based): chr17:74,354,361, A>C. VCF-style: chr17-74354361-A-C. GRCh37 (hg19) VCF-style: chr17-72350500-A-C.
Identifiers: ClinVar variation 4873837 (VCV004873837.2).
Genomic context (GRCh38, chr17:74,354,361, plus strand): 5'-CGAGGGCGACGATGCGCGGCCACCAGGCCCACTGGCCTGCAAGCGGCCGCCCAGCCCCAC[A>C]CTACAGCATGCTGCCAGTGAGGACAACCTGTCCAGCAGCACGGGCGAGGCCCCGTCCCGG-3'
Protein context (NP_694941.2, residues 826-846): PLACKRPPSP[Thr836=]LQHAASEDNL

ClinVar aggregate classification (germline): Likely benign (1 of 4 stars; one submission).

gnomAD v4.1: 1 of 1,607,166 alleles (0.000062%); highest among the groups gnomAD compares: Non-Finnish European, 0.000085%; no homozygotes.

Submission:

CeGaT Center for Human Genetics Tuebingen
Classification: Likely benign. Last evaluated: 2026-05-01. Review status: criteria provided, single submitter. Criteria: CeGaT Center For Human Genetics Tuebingen Variant Classification Criteria Version 2. Collection method: clinical testing. Allele origin: germline. Affected: yes. Observed: 1 variant allele.
Comment: KIF19: BP4, BP7